The following is an entry in ClinVar:

NM_000350.3(ABCA4):c.5116G>A (p.Val1706Met)

Gene: ABCA4 (ATP binding cassette subfamily A member 4; minus strand). Cytogenetic location: 1p22.1.
Variant type: single nucleotide variant.
Coding change: c.5116G>A on transcript NM_000350.3 (MANE Select); coding-DNA position 5116, G replaced by A.
Protein change: p.Val1706Met; replaces valine 1706 with methionine.
Molecular consequence: missense variant.
Genome position (GRCh38, 1-based): chr1:94,019,662, C>T on the plus strand (G>A on the coding strand, the complement: ABCA4 is on the minus strand). VCF-style: chr1-94019662-C-T. GRCh37 (hg19) VCF-style: chr1-94485218-C-T.
Other names: c.4894G>A, p.Val1632Met (NM_001425324.1); short protein forms V1706M, V1632M.
Identifiers: ClinVar variation 2091141 (VCV002091141.2), dbSNP rs1044818989, ClinGen allele CA26844010.

ClinVar aggregate classification (germline): Uncertain significance. Review status: criteria provided, multiple submitters, no conflicts (2 of 4 stars). 2 submissions from 2 submitters: Uncertain significance (2). Last evaluated 2022-08-30.

Allele frequency attached by ClinVar (database versions not stated): gnomAD 0.00001.
gnomAD v4.1: 26 of 1,613,274 alleles (0.0016%); highest among the groups gnomAD compares: Non-Finnish European, 0.0021%; no homozygotes.

Submissions (2):

Labcorp Genetics (formerly Invitae), Labcorp
Classification: Uncertain significance. Last evaluated: 2022-08-30. Review status: criteria provided, single submitter. Criteria: Invitae Variant Classification Sherloc (09022015). Collection method: clinical testing. Allele origin: germline.
Comment: This sequence change replaces valine, which is neutral and non-polar, with methionine, which is neutral and non-polar, at codon 1706 of the ABCA4 protein (p.Val1706Met). The frequency data for this variant in the population databases is considered unreliable, as metrics indicate poor data quality at this position in the gnomAD database. This variant has not been reported in the literature in individuals affected with ABCA4-related conditions. Algorithms developed to predict the effect of missense changes on protein structure and function are either unavailable or do not agree on the potential impact of this missense change (SIFT: "Deleterious"; PolyPhen-2: "Probably Damaging"; Align-GVGD: "Class C15"). In summary, the available evidence is currently insufficient to determine the role of this variant in disease. Therefore, it has been classified as a Variant of Uncertain Significance.

Blueprint Genetics
Classification: Uncertain significance. Last evaluated: 2018-11-08. Review status: criteria provided, single submitter. Criteria: ACMG Guidelines, 2015. Collection method: clinical testing. Allele origin: germline.